The following is an entry in ClinVar:

NM_005121.3(MED13):c.5449A>G (p.Thr1817Ala)

Gene: MED13 (mediator complex subunit 13; minus strand). Cytogenetic location: 17q23.2.
Variant type: single nucleotide variant.
Coding change: c.5449A>G on transcript NM_005121.3 (MANE Select); coding-DNA position 5449, A replaced by G.
Protein change: p.Thr1817Ala; replaces threonine 1817 with alanine.
Molecular consequence: missense variant.
Genome position (GRCh38, 1-based): chr17:61,960,898, T>C on the plus strand (A>G on the coding strand, the complement: MED13 is on the minus strand). VCF-style: chr17-61960898-T-C. GRCh37 (hg19) VCF-style: chr17-60038259-T-C.
Other names: short protein forms T1817A.
Identifiers: ClinVar variation 4859851 (VCV004859851.1).
Genomic context (GRCh38, chr17:61,960,898, plus strand): 5'-ATATGATATATTTAGGGAAATACAAATACCTATTTGGAACATCGATGTTAATGATACAAG[T>C]TTCTAAAAGTTCTCCATATAGATCTGTGCAAGATGCAAGAATCCACCTTTGATCATGTGA-3'
Protein context (NP_005112.2, residues 1807-1827): CTDLYGELLE[Thr1817Ala]CIINIDVPNR

ClinVar aggregate classification (germline): Uncertain significance (1 of 4 stars; one submission).

Conditions:
Inborn genetic diseases. Identifiers: MedGen C0950123, MeSH D030342.

Submission:

Ambry Genetics
Classification: Uncertain significance for Inborn genetic diseases. Last evaluated: 2026-04-27. Review status: criteria provided, single submitter. Criteria: Ambry Variant Classification Scheme 2023. Collection method: clinical testing. Allele origin: germline.
Comment: The c.5449A>G (p.T1817A) alteration is located in exon 23 (coding exon 23) of the MED13 gene. This alteration results from a A to G substitution at nucleotide position 5449, causing the threonine (T) at amino acid position 1817 to be replaced by an alanine (A). Based on data from gnomAD, the G allele has an overall frequency of 0.003% (1/31380) total alleles studied. The highest observed frequency was 0.007% (1/15418) of European (non-Finnish) alleles. Based on insufficient or conflicting evidence, the clinical significance of this alteration remains unclear.